The following is an entry in ClinVar:

ClinVar aggregate classification (germline): Conflicting classifications of pathogenicity. Review status: criteria provided, conflicting classifications (1 of 4 stars). 12 submissions from 12 submitters: Uncertain significance (1); Benign (2); Likely benign (6). 3 of the submissions do not count toward it. Last evaluated 2026-09-01.

Conditions:
IGHMBP2-related disorder. Also called: IGHMBP2-related condition; IGHMBP2-related disorders.
Charcot-Marie-Tooth disease axonal type 2S. Also called: CHARCOT-MARIE-TOOTH NEUROPATHY, TYPE 2S; CHARCOT-MARIE-TOOTH DISEASE, AXONAL, AUTOSOMAL RECESSIVE, TYPE 2S. Identifiers: Orphanet 443073, MedGen C4015349, MONDO:0014511, OMIM 616155.
Autosomal recessive distal spinal muscular atrophy 1. Also called: NEURONOPATHY, SEVERE INFANTILE AXONAL, WITH RESPIRATORY FAILURE; SEVERE INFANTILE AXONAL NEUROPATHY WITH RESPIRATORY FAILURE; SPINAL MUSCULAR ATROPHY, DIAPHRAGMATIC; Spinal muscular atrophy with respiratory distress 1; HMN VI; NEURONOPATHY, DISTAL HEREDITARY MOTOR, HARDING TYPE VI. Identifiers: Orphanet 98920, MedGen C1858517, MONDO:0011436, OMIM 604320.
Inborn genetic diseases. Identifiers: MedGen C0950123, MeSH D030342.
Charcot-Marie-Tooth disease. Also called: Charcot-Marie-Tooth Hereditary Neuropathy; Charcot-Marie-Tooth Neuropathy. Identifiers: Orphanet 166, MedGen C0007959, MONDO:0015626.

Allele frequency attached by ClinVar (database versions not stated): gnomAD 0.00186 and 0.00187; gnomAD exomes 0.00245 and 0.00271; ExAC 0.00291; 1000 Genomes Project 0.00060; TOPMed 0.00149; ESP Exome Variant Server 0.00162; 1000 Genomes Project 30x 0.00047.

Submissions (18):

CeGaT Center for Human Genetics Tuebingen
Classification: Likely benign. Last evaluated: 2026-09-01. Review status: criteria provided, single submitter. Criteria: CeGaT Center For Human Genetics Tuebingen Variant Classification Criteria Version 2. Collection method: clinical testing. Allele origin: germline. Affected: yes. Observed: 12 variant alleles.
Comment: IGHMBP2: PM5, BS2

Labcorp Genetics (formerly Invitae), Labcorp
Classification: Benign for Autosomal recessive distal spinal muscular atrophy 1; Charcot-Marie-Tooth disease axonal type 2S. Last evaluated: 2026-01-31. Review status: criteria provided, single submitter. Criteria: Invitae Variant Classification Sherloc (09022015). Collection method: clinical testing. Allele origin: germline.

ARUP Laboratories, Molecular Genetics and Genomics, ARUP Laboratories
Classification: Likely benign. Last evaluated: 2025-02-13. Review status: criteria provided, single submitter. Criteria: ARUP Molecular Germline Variant Investigation Process 2024. Collection method: clinical testing. Allele origin: germline.

GeneDx
Classification: Likely benign. Last evaluated: 2021-09-23. Review status: criteria provided, single submitter. Criteria: GeneDx Variant Classification Process June 2021. Collection method: clinical testing. Allele origin: germline. Affected: yes.
Comment: This variant is associated with the following publications: (PMID: 26467025, 26392352)

Ambry Genetics
Classification: Likely benign for Inborn genetic diseases. Last evaluated: 2019-09-23. Review status: criteria provided, single submitter. Criteria: Ambry Variant Classification Scheme 2023. Collection method: clinical testing. Allele origin: germline.

Mayo Clinic Laboratories, Mayo Clinic
Classification: Benign. Last evaluated: 2019-01-07. Review status: criteria provided, single submitter. Criteria: ACMG Guidelines, 2015. Collection method: clinical testing. Allele origin: germline. Observed: 11 variant alleles.

Illumina Laboratory Services, Illumina
Classification: Likely benign for Autosomal recessive distal spinal muscular atrophy 1. Last evaluated: 2018-01-12. Review status: criteria provided, single submitter. Criteria: ICSL Variant Classification Criteria 13 December 2019. Collection method: clinical testing. Allele origin: germline.
Comment: This variant was observed in the ICSL laboratory as part of a predisposition screen in an ostensibly healthy population. It had not been previously curated by ICSL or reported in the Human Gene Mutation Database (HGMD: prior to June 1st, 2018), and was therefore a candidate for classification through an automated scoring system. Utilizing variant allele frequency, disease prevalence and penetrance estimates, and inheritance mode, an automated score was calculated to assess if this variant is too frequent to cause the disease. Based on the score and internal cut-off values, a variant classified as likely benign is not then subjected to further curation. The score for this variant resulted in a classification of likely benign for this disease.

Eurofins Ntd Llc (ga)
Classification: Uncertain significance. Last evaluated: 2017-09-22. Review status: criteria provided, single submitter. Criteria: EGL Classification Definitions 2015. Collection method: clinical testing. Allele origin: germline. Observed: 2 variant alleles, 2 heterozygotes.

Molecular Genetics Laboratory, London Health Sciences Centre
Classification: Likely benign for Charcot-Marie-Tooth disease. Review status: criteria provided, single submitter. Criteria: ACMG Guidelines, 2015. Collection method: clinical testing. Allele origin: germline. Affected: yes.

PreventionGenetics, part of Exact Sciences
Classification: Likely benign for IGHMBP2-related condition. Last evaluated: 2020-01-31. Review status: no assertion criteria provided. Collection method: clinical testing. Allele origin: germline. Not counted in ClinVar's aggregate classification.
Comment: This variant is classified as likely benign based on ACMG/AMP sequence variant interpretation guidelines (Richards et al. 2015 PMID: 25741868, with internal and published modifications).

Clinical Genetics DNA and cytogenetics Diagnostics Lab, Erasmus MC, Erasmus Medical Center
Classification: Uncertain significance. Review status: no assertion criteria provided. Collection method: clinical testing. Allele origin: germline. Affected: yes. Study: VKGL Data-share Consensus. Not counted in ClinVar's aggregate classification.

Clinical Genetics, Academic Medical Center
Classification: Uncertain significance. Review status: no assertion criteria provided. Collection method: clinical testing. Allele origin: germline. Affected: yes. Study: VKGL Data-share Consensus. Not counted in ClinVar's aggregate classification.

Dr. Peter K. Rogan Lab, Western University
No classification provided (evidence only). Condition: Melanoma. Review status: no classification provided. Collection method: in vitro. Allele origin: not applicable. Functional consequence: retained intron. Not counted in ClinVar's aggregate classification.

Dr. Peter K. Rogan Lab, Western University
No classification provided (evidence only). Condition: Thyroid cancer, nonmedullary, 1. Review status: no classification provided. Collection method: in vitro. Allele origin: not applicable. Functional consequence: retained intron. Not counted in ClinVar's aggregate classification.

Dr. Peter K. Rogan Lab, Western University
No classification provided (evidence only). Condition: Ovarian serous cystadenocarcinoma. Review status: no classification provided. Collection method: in vitro. Allele origin: not applicable. Functional consequence: retained intron. Not counted in ClinVar's aggregate classification.

Dr. Peter K. Rogan Lab, Western University
No classification provided (evidence only). Condition: Gastric cancer. Review status: no classification provided. Collection method: in vitro. Allele origin: not applicable. Functional consequence: retained intron. Not counted in ClinVar's aggregate classification.

Dr. Peter K. Rogan Lab, Western University
No classification provided (evidence only). Condition: Uterine carcinosarcoma. Review status: no classification provided. Collection method: in vitro. Allele origin: not applicable. Functional consequence: retained intron. Not counted in ClinVar's aggregate classification.

Dr. Peter K. Rogan Lab, Western University
No classification provided (evidence only). Condition: Malignant tumor of esophagus. Review status: no classification provided. Collection method: in vitro. Allele origin: not applicable. Functional consequence: retained intron. Not counted in ClinVar's aggregate classification.

NM_002180.3(IGHMBP2):c.1193C>T (p.Ala398Val)

Gene: IGHMBP2 (immunoglobulin mu DNA binding protein 2; plus strand). Cytogenetic location: 11q13.3.
Variant type: single nucleotide variant.
Coding change: c.1193C>T on transcript NM_002180.3 (MANE Select); coding-DNA position 1193, C replaced by T.
Protein change: p.Ala398Val; replaces alanine 398 with valine.
Molecular consequence: missense variant.
Genome position (GRCh38, 1-based): chr11:68,929,315, C>T. VCF-style: chr11-68929315-C-T. GRCh37 (hg19) VCF-style: chr11-68696783-C-T.
Other names: short protein forms A398V.
Identifiers: ClinVar variation 234315 (VCV000234315.75), dbSNP rs35193202, ClinGen allele CA6153539.